The following is an entry in ClinVar:

ClinVar aggregate classification (germline): Uncertain significance. Review status: criteria provided, multiple submitters, no conflicts (2 of 4 stars). 2 submissions from 2 submitters: Uncertain significance (2). Last evaluated 2024-04-10.

gnomAD v4.1: 2 of 1,614,134 alleles (0.00012%); highest among the groups gnomAD compares: Non-Finnish European, 0.000085%; no homozygotes.

Submissions (2):

Blueprint Genetics
Classification: Uncertain significance. Last evaluated: 2024-04-10. Review status: criteria provided, single submitter. Criteria: ACMG Guidelines, 2015. Collection method: clinical testing. Allele origin: germline.

Labcorp Genetics (formerly Invitae), Labcorp
Classification: Uncertain significance. Last evaluated: 2022-02-22. Review status: criteria provided, single submitter. Criteria: Invitae Variant Classification Sherloc (09022015). Collection method: clinical testing. Allele origin: germline.
Comment: This sequence change replaces alanine, which is neutral and non-polar, with valine, which is neutral and non-polar, at codon 1042 of the VCAN protein (p.Ala1042Val). This variant is not present in population databases (gnomAD no frequency). This variant has not been reported in the literature in individuals affected with VCAN-related conditions. Algorithms developed to predict the effect of missense changes on protein structure and function (SIFT, PolyPhen-2, Align-GVGD) all suggest that this variant is likely to be tolerated. In summary, the available evidence is currently insufficient to determine the role of this variant in disease. Therefore, it has been classified as a Variant of Uncertain Significance.

NM_004385.5(VCAN):c.3125C>T (p.Ala1042Val)

Gene: VCAN (versican; plus strand). Cytogenetic location: 5q14.3.
Variant type: single nucleotide variant.
Coding change: c.3125C>T on transcript NM_004385.5 (MANE Select); coding-DNA position 3125, C replaced by T.
Protein change: p.Ala1042Val; replaces alanine 1042 with valine.
Molecular consequence: missense variant. On other transcripts: intron variant (2).
Genome position (GRCh38, 1-based): chr5:83,521,431, C>T. VCF-style: chr5-83521431-C-T. GRCh37 (hg19) VCF-style: chr5-82817250-C-T.
Other names: c.3125C>T, p.Ala1042Val (NM_001164098.2); c.1042+9035C>T (NM_001164097.2, NM_001126336.3); short protein forms A1042V.
Identifiers: ClinVar variation 1964379 (VCV001964379.6), dbSNP rs2479055978, ClinGen allele CA360305395.